The following is an entry in ClinVar:

NM_012186.3(FOXE3):c.839C>T (p.Pro280Leu)

Genes: LINC01389 (long intergenic non-protein coding RNA 1389; minus strand), FOXE3 (forkhead box E3; plus strand). Cytogenetic location: 1p33.
Variant type: single nucleotide variant.
Coding change: c.839C>T on transcript NM_012186.3 (MANE Select); coding-DNA position 839, C replaced by T.
Protein change: p.Pro280Leu; replaces proline 280 with leucine.
Molecular consequence: missense variant.
Genome position (GRCh38, 1-based): chr1:47,417,154, C>T. VCF-style: chr1-47417154-C-T. GRCh37 (hg19) VCF-style: chr1-47882826-C-T.
Other names: short protein forms P280L.
Identifiers: ClinVar variation 3279572 (VCV003279572.1).

ClinVar aggregate classification (germline): Uncertain significance (1 of 4 stars; one submission).

Conditions:
Cardiovascular phenotype. Identifiers: MedGen CN230736.

gnomAD v4.1: 1 of 1,405,298 alleles (0.000071%); no homozygotes.

Submission:

Ambry Genetics
Classification: Uncertain significance for Cardiovascular phenotype. Last evaluated: 2024-05-10. Review status: criteria provided, single submitter. Criteria: Ambry Variant Classification Scheme 2023. Collection method: clinical testing. Allele origin: germline.
Comment: The p.P280L variant (also known as c.839C>T), located in coding exon 1 of the FOXE3 gene, results from a C to T substitution at nucleotide position 839. The proline at codon 280 is replaced by leucine, an amino acid with similar properties. This amino acid position is conserved. In addition, this alteration is predicted to be tolerated by in silico analysis. Based on the available evidence, the clinical significance of this variant remains unclear.